The following is an entry in ClinVar:

ClinVar aggregate classification (germline): Benign (1 of 4 stars; one submission).

Allele frequency attached by ClinVar (database versions not stated): 1000 Genomes Project 0.46226; 1000 Genomes Project 30x 0.47611; gnomAD 0.50158 and 0.50989; TOPMed 0.50626.
gnomAD v4.1: 73,625 of 147,148 alleles (50%); highest among the groups gnomAD compares: African/African-American, 64%; 19,237 homozygotes.

Submission:

GeneDx
Classification: Benign. Last evaluated: 2018-06-14. Review status: criteria provided, single submitter. Criteria: GeneDx Variant Classification (06012015). Collection method: clinical testing. Allele origin: germline. Affected: yes.
Comment: This variant is considered likely benign or benign based on one or more of the following criteria: it is a conservative change, it occurs at a poorly conserved position in the protein, it is predicted to be benign by multiple in silico algorithms, and/or has population frequency not consistent with disease.

NM_005006.7(NDUFS1):c.1262+199C>T

Gene: NDUFS1 (NADH:ubiquinone oxidoreductase core subunit S1; minus strand). Cytogenetic location: 2q33.3.
Variant type: single nucleotide variant.
Coding change: c.1262+199C>T on transcript NM_005006.7 (MANE Select); 199 bases into the intron after coding-DNA position 1262, C replaced by T.
Molecular consequence: intron variant.
Genome position (GRCh38, 1-based): chr2:206,141,742, G>A on the plus strand (C>T on the coding strand, the complement: NDUFS1 is on the minus strand). VCF-style: chr2-206141742-G-A. GRCh37 (hg19) VCF-style: chr2-207006466-G-A.
Other names: c.929+199C>T (NM_001199982.2); c.1091+199C>T (NM_001199983.2); c.1154+199C>T (NM_001199981.2); c.1304+199C>T (NM_001199984.2).
Identifiers: ClinVar variation 683041 (VCV000683041.1), dbSNP rs6435327, ClinGen allele CA11095754.